The following is an entry in ClinVar:

NM_005732.4(RAD50):c.722T>C (p.Val241Ala)

Gene: RAD50 (RAD50 double strand break repair protein; plus strand). Cytogenetic location: 5q31.1.
Variant type: single nucleotide variant.
Coding change: c.722T>C on transcript NM_005732.4 (MANE Select); coding-DNA position 722, T replaced by C.
Protein change: p.Val241Ala; replaces valine 241 with alanine.
Molecular consequence: missense variant.
Genome position (GRCh38, 1-based): chr5:132,580,032, T>C. VCF-style: chr5-132580032-T-C. GRCh37 (hg19) VCF-style: chr5-131915724-T-C.
Other names: c.722T>C (NM_005732.3); short protein forms V241A.
Identifiers: ClinVar variation 2815806 (VCV002815806.4), dbSNP rs1750478280, ClinGen allele CA360937064.

ClinVar aggregate classification (germline): Uncertain significance. Review status: criteria provided, multiple submitters, no conflicts (2 of 4 stars). 2 submissions from 2 submitters: Uncertain significance (2). Last evaluated 2024-06-08.

Conditions:
Hereditary cancer-predisposing syndrome. Also called: Neoplastic Syndromes, Hereditary; Tumor predisposition; Hereditary Cancer Syndrome; Hereditary neoplastic syndrome. Identifiers: Orphanet 140162, MedGen C0027672, MeSH D009386, MONDO:0015356.

Allele frequency attached by ClinVar (database versions not stated): gnomAD 0.00001.
gnomAD v4.1: 2 of 1,612,942 alleles (0.00012%); highest among the groups gnomAD compares: Non-Finnish European, 0.000085%; no homozygotes.

Submissions (2):

Ambry Genetics
Classification: Uncertain significance for Hereditary cancer-predisposing syndrome. Last evaluated: 2024-06-08. Review status: criteria provided, single submitter. Criteria: Ambry Variant Classification Scheme 2023. Collection method: clinical testing. Allele origin: germline.
Comment: The p.V241A variant (also known as c.722T>C), located in coding exon 5 of the RAD50 gene, results from a T to C substitution at nucleotide position 722. The valine at codon 241 is replaced by alanine, an amino acid with similar properties. This amino acid position is conserved. In addition, this alteration is predicted to be tolerated by in silico analysis. Based on the available evidence, the clinical significance of this variant remains unclear.

Labcorp Genetics (formerly Invitae), Labcorp
Classification: Uncertain significance for Hereditary cancer-predisposing syndrome. Last evaluated: 2022-11-23. Review status: criteria provided, single submitter. Criteria: Invitae Variant Classification Sherloc (09022015). Collection method: clinical testing. Allele origin: germline.
Comment: This sequence change replaces valine, which is neutral and non-polar, with alanine, which is neutral and non-polar, at codon 241 of the RAD50 protein (p.Val241Ala). This variant is not present in population databases (gnomAD no frequency). This variant has not been reported in the literature in individuals affected with RAD50-related conditions. Advanced modeling of protein sequence and biophysical properties (such as structural, functional, and spatial information, amino acid conservation, physicochemical variation, residue mobility, and thermodynamic stability) performed at Invitae indicates that this missense variant is not expected to disrupt RAD50 protein function. In summary, the available evidence is currently insufficient to determine the role of this variant in disease. Therefore, it has been classified as a Variant of Uncertain Significance.